The following is an entry in ClinVar:

ClinVar aggregate classification (germline): Uncertain significance (1 of 4 stars; one submission).

Allele frequency attached by ClinVar (database versions not stated): gnomAD exomes below 0.00001; TOPMed 0.00001; gnomAD 0.00003.
gnomAD v4.1: 5 of 1,613,966 alleles (0.00031%); highest among the groups gnomAD compares: African/African-American, 0.0067%; no homozygotes.

Submission:

Labcorp Genetics (formerly Invitae), Labcorp
Classification: Uncertain significance. Last evaluated: 2023-03-17. Review status: criteria provided, single submitter. Criteria: Invitae Variant Classification Sherloc (09022015). Collection method: clinical testing. Allele origin: germline.
Comment: This sequence change replaces alanine, which is neutral and non-polar, with glutamic acid, which is acidic and polar, at codon 3384 of the FAT4 protein (p.Ala3384Glu). In summary, the available evidence is currently insufficient to determine the role of this variant in disease. Therefore, it has been classified as a Variant of Uncertain Significance. Advanced modeling of protein sequence and biophysical properties (such as structural, functional, and spatial information, amino acid conservation, physicochemical variation, residue mobility, and thermodynamic stability) performed at Invitae indicates that this missense variant is expected to disrupt FAT4 protein function. This variant has not been reported in the literature in individuals affected with FAT4-related conditions. This variant is present in population databases (no rsID available, gnomAD 0.03%).

NM_001291303.3(FAT4):c.10157C>A (p.Ala3386Glu)

Gene: FAT4 (FAT atypical cadherin 4; plus strand). Cytogenetic location: 4q28.1.
Variant type: single nucleotide variant.
Coding change: c.10157C>A on transcript NM_001291303.3 (MANE Select); coding-DNA position 10157, C replaced by A.
Protein change: p.Ala3386Glu; replaces alanine 3386 with glutamic acid.
Molecular consequence: missense variant.
Genome position (GRCh38, 1-based): chr4:125,451,167, C>A. VCF-style: chr4-125451167-C-A. GRCh37 (hg19) VCF-style: chr4-126372322-C-A.
Other names: c.10157C>A, p.Ala3386Glu (NM_001291285.3); c.10151C>A, p.Ala3384Glu (NM_024582.6); short protein forms A3384E, A3386E.
Identifiers: ClinVar variation 2792285 (VCV002792285.3), dbSNP rs1220048384, ClinGen allele CA358157574.
Genomic context (GRCh38, chr4:125,451,167, plus strand): 5'-AAAAAGAAGAAAGGGTGTCTTTGAAGGTATTGGCCAAGAACTTTGGCAGCATTAGAGGTG[C>A]AGATATAGATGAGGTCACTGTAAATGTCACCGTGCTTGATGCAAATGACCCACCCATTTT-3'
Protein context (NP_001278232.1, residues 3376-3396): LAKNFGSIRG[Ala3386Glu]DIDEVTVNVT